The following is an entry in ClinVar:

NM_004168.4(SDHA):c.193G>A (p.Val65Met)

Gene: SDHA (succinate dehydrogenase complex flavoprotein subunit A; plus strand). Cytogenetic location: 5p15.33.
Variant type: single nucleotide variant.
Coding change: c.193G>A on transcript NM_004168.4 (MANE Select); coding-DNA position 193, G replaced by A.
Protein change: p.Val65Met; replaces valine 65 with methionine.
Molecular consequence: missense variant.
Genome position (GRCh38, 1-based): chr5:224,402, G>A. VCF-style: chr5-224402-G-A. GRCh37 (hg19) VCF-style: chr5-224517-G-A.
Other names: c.193G>A, p.Val65Met (NM_001294332.2, NM_001330758.2); short protein forms V65M.
Identifiers: ClinVar variation 3754182 (VCV003754182.2).
Genomic context (GRCh38, chr5:224,402, plus strand): 5'-TGAATTTTTCTTTTCCAGATTTCTGCTCAGTATCCAGTAGTGGATCATGAATTTGATGCA[G>A]TGGTGGTAGGCGCTGGAGGGGCAGGCTTGCGAGCTGCATTTGGCCTTTCTGAGGCAGGGT-3'
Protein context (NP_004159.2, residues 55-75): YPVVDHEFDA[Val65Met]VVGAGGAGLR

ClinVar aggregate classification (germline): Uncertain significance (1 of 4 stars; one submission).

Conditions:
Mitochondrial complex II deficiency, nuclear type 1. Also called: SUCCINATE CoQ REDUCTASE DEFICIENCY. Identifiers: Orphanet 3208, MedGen C5700310, MONDO:0100294, OMIM 252011.
Pheochromocytoma/paraganglioma syndrome 5. Also called: Paragangliomas 5; SDHA-Related Hereditary Paraganglioma-Pheochromocytoma Syndrome. Identifiers: Orphanet 29072, MedGen C3279992, MONDO:0013602, OMIM 614165.

Submission:

Labcorp Genetics (formerly Invitae), Labcorp
Classification: Uncertain significance for Pheochromocytoma/paraganglioma syndrome 5; Mitochondrial complex II deficiency, nuclear type 1. Last evaluated: 2025-07-06. Review status: criteria provided, single submitter. Criteria: Invitae Variant Classification Sherloc (09022015). Collection method: clinical testing. Allele origin: germline.
Comment: This sequence change replaces valine, which is neutral and non-polar, with methionine, which is neutral and non-polar, at codon 65 of the SDHA protein (p.Val65Met). This variant is not present in population databases (gnomAD no frequency). This variant has not been reported in the literature in individuals affected with SDHA-related conditions. ClinVar contains an entry for this variant (Variation ID: 3754182). Invitae Evidence Modeling of protein sequence and biophysical properties (such as structural, functional, and spatial information, amino acid conservation, physicochemical variation, residue mobility, and thermodynamic stability) has been performed for this missense variant. However, the output from this modeling did not meet the statistical confidence thresholds required to predict the impact of this variant on SDHA protein function. In summary, the available evidence is currently insufficient to determine the role of this variant in disease. Therefore, it has been classified as a Variant of Uncertain Significance.